The following is an entry in ClinVar:

ClinVar aggregate classification (germline): Uncertain significance (1 of 4 stars; one submission).

Conditions:
Intellectual developmental disorder, X-linked 1. Also called: Atkin Flaitz Patil Smith syndrome; MENTAL RETARDATION, X-LINKED 18; MENTAL RETARDATION, X-LINKED 78; Intellectual disability, X-linked 1. Identifiers: Orphanet 777, MedGen C2931498, MONDO:0010656, OMIM 309530.

Submission:

Juno Genomics, Hangzhou Juno Genomics, Inc
Classification: Uncertain significance for Intellectual developmental disorder, X-linked 1. Review status: criteria provided, single submitter. Criteria: ACMG Guidelines, 2015. Collection method: clinical testing. Allele origin: germline.
Comment: Absent from controls (or at extremely low frequency if recessive) in Genome Aggregation Database.;Null variant in a gene where loss of function (LOF) is a known mechanism of disease.

NM_001111125.3(IQSEC2):c.4301_4305del (p.His1434fs)

Gene: IQSEC2 (IQ motif and Sec7 domain ArfGEF 2; minus strand). Cytogenetic location: Xp11.22.
Variant type: Microsatellite.
Coding change: c.4301_4305del on transcript NM_001111125.3 (MANE Select); coding-DNA positions 4301 to 4305, 5 bases deleted (ACCCC; older notation c.4301_4305delACCCC).
Protein change: p.His1434fs; shifts the reading frame from histidine 1434.
Molecular consequence: frameshift variant. On other transcripts: 3 prime UTR variant (4), intron variant (2).
Genome position (GRCh38, 1-based): chrX:53,234,381-53,234,385, GGGGT deleted on the plus strand (ACCCC on the coding strand, the reverse complement: IQSEC2 is on the minus strand); deleting any 5 consecutive bases within chrX:53,234,381-53,234,393 gives the same sequence; the c. name uses the placement nearest the transcript's 3' end. VCF-style (leftmost placement, unchanged base first): chrX-53234380-AGGGGT-A. GRCh37 (hg19) VCF-style: chrX-53263562-AGGGGT-A.
Other names: c.*781ACCCC[1] (NM_015075.2, NM_001410736.1, NM_001441093.1 and 1 more transcripts); c.3451+1937_3451+1941del (NM_001441092.1); c.2740+1937_2740+1941del (NM_001441095.1); short protein forms H1434fs.
Identifiers: ClinVar variation 5019384 (VCV005019384.2).